The following is an entry in ClinVar:

NM_003638.3(ITGA8):c.2616T>C (p.Asn872=)

Gene: ITGA8 (integrin subunit alpha 8; minus strand). Cytogenetic location: 10p13.
Variant type: single nucleotide variant.
Coding change: c.2616T>C on transcript NM_003638.3 (MANE Select); coding-DNA position 2616, T replaced by C.
Protein change: p.Asn872=; no amino-acid change (asparagine 872 retained).
Molecular consequence: synonymous variant.
Genome position (GRCh38, 1-based): chr10:15,572,232, A>G on the plus strand (T>C on the coding strand, the complement: ITGA8 is on the minus strand). VCF-style: chr10-15572232-A-G. GRCh37 (hg19) VCF-style: chr10-15614231-A-G.
Other names: c.2571T>C, p.Asn857= (NM_001291494.2).
Identifiers: ClinVar variation 1596513 (VCV001596513.13), dbSNP rs369447612, ClinGen allele CA5419797.

ClinVar aggregate classification (germline): Likely benign. Review status: criteria provided, multiple submitters, no conflicts (2 of 4 stars). 2 submissions from 2 submitters: Likely benign (2). Last evaluated 2026-01-24.

Allele frequency attached by ClinVar (database versions not stated): gnomAD 0.00013 and 0.00015; ESP Exome Variant Server 0.00023; TOPMed 0.00030; gnomAD exomes 0.00039; 1000 Genomes Project 0.00040; ExAC 0.00045; 1000 Genomes Project 30x 0.00047.
gnomAD v4.1: 401 of 1,613,868 alleles (0.025%); highest among the groups gnomAD compares: Middle Eastern, 0.17%; no homozygotes.

Submissions (2):

Labcorp Genetics (formerly Invitae), Labcorp
Classification: Likely benign. Last evaluated: 2026-01-24. Review status: criteria provided, single submitter. Criteria: Invitae Variant Classification Sherloc (09022015). Collection method: clinical testing. Allele origin: germline.

CeGaT Center for Human Genetics Tuebingen
Classification: Likely benign. Last evaluated: 2025-12-01. Review status: criteria provided, single submitter. Criteria: CeGaT Center For Human Genetics Tuebingen Variant Classification Criteria Version 2. Collection method: clinical testing. Allele origin: germline. Affected: yes. Observed: 1 variant allele.
Comment: ITGA8: BP4, BP7